The following is an entry in ClinVar:

ClinVar aggregate classification (germline): Uncertain significance (1 of 4 stars; one submission).

Conditions:
Spastic paraplegia. Identifiers: MedGen C0037772, HP:0001258.

Submission:

Labcorp Genetics (formerly Invitae), Labcorp
Classification: Uncertain significance for Spastic paraplegia. Last evaluated: 2023-12-07. Review status: criteria provided, single submitter. Criteria: Invitae Variant Classification Sherloc (09022015). Collection method: clinical testing. Allele origin: germline.
Comment: This sequence change affects a donor splice site in intron 25 of the KDM5C gene. While this variant is not anticipated to result in nonsense mediated decay, it likely alters RNA splicing and results in a disrupted protein product. This variant is not present in population databases (gnomAD no frequency). This variant has not been reported in the literature in individuals affected with KDM5C-related conditions. Variants that disrupt the consensus splice site are a relatively common cause of aberrant splicing (PMID: 17576681, 9536098). Algorithms developed to predict the effect of sequence changes on RNA splicing suggest that this variant may disrupt the consensus splice site. In summary, the available evidence is currently insufficient to determine the role of this variant in disease. Therefore, it has been classified as a Variant of Uncertain Significance.

Literature cited by the submitters: PubMed 17576681; PubMed 9536098.

NM_004187.5(KDM5C):c.4317+2T>C

Gene: KDM5C (lysine demethylase 5C; minus strand). Cytogenetic location: Xp11.22.
Variant type: single nucleotide variant.
Coding change: c.4317+2T>C on transcript NM_004187.5 (MANE Select); the canonical splice donor site of the intron after coding-DNA position 4317, T replaced by C.
Molecular consequence: splice donor variant. On other transcripts: intron variant (1).
Genome position (GRCh38, 1-based): chrX:53,193,435, A>G on the plus strand (T>C on the coding strand, the complement: KDM5C is on the minus strand). VCF-style: chrX-53193435-A-G. GRCh37 (hg19) VCF-style: chrX-53222617-A-G.
Other names: c.4305+2T>C (NM_001353982.2); c.4314+2T>C (NM_001353979.2, NM_001282622.3); c.4308+2T>C (NM_001353981.2, NM_001353984.2, NM_001353978.3); c.4046+63T>C (NM_001146702.2).
Identifiers: ClinVar variation 2769116 (VCV002769116.3), dbSNP rs2519365326, ClinGen allele CA413104989.
Genomic context (GRCh38, chrX:53,193,435, plus strand): 5'-GTCAGGCCTGGGCTCCCTACTCGGCCTGACCTCCTGGCCCGGCCCATGACCCCTCTCCTC[A>G]CCTCCAGAAGTGTGCGGATCCTCTCCAGGTCTGGGGGCTGTCCAGCCTGCAGCAGCTGCC-3'